The following is an entry in ClinVar:

NM_000540.3(RYR1):c.2653C>T (p.Arg885Cys)

Gene: RYR1 (ryanodine receptor 1; plus strand). Cytogenetic location: 19q13.2.
Variant type: single nucleotide variant.
Coding change: c.2653C>T on transcript NM_000540.3 (MANE Select); coding-DNA position 2653, C replaced by T.
Protein change: p.Arg885Cys; replaces arginine 885 with cysteine.
Molecular consequence: missense variant.
Genome position (GRCh38, 1-based): chr19:38,463,498, C>T. VCF-style: chr19-38463498-C-T. GRCh37 (hg19) VCF-style: chr19-38954138-C-T.
Other names: RYR-1; p.Arg885Cys; c.2653C>T, p.Arg885Cys (NM_001042723.2); short protein forms R885C.
Identifiers: ClinVar variation 638270 (VCV000638270.15), dbSNP rs775256033, ClinGen allele CA063656.

ClinVar aggregate classification (germline): Uncertain significance. Review status: criteria provided, multiple submitters, no conflicts (2 of 4 stars). 7 submissions from 7 submitters: Uncertain significance (7). Last evaluated 2025-03-27.

Conditions:
RYR1-related disorder. Also called: RYR1-related condition; RYR1-related disorders. Identifiers: MedGen CN239331.
Central core myopathy (CMYO1A). Also called: CONGENITAL MYOPATHY 1A, AUTOSOMAL DOMINANT, WITH SUSCEPTIBILITY TO MALIGNANT HYPERTHERMIA; Central core disease; Myopathy, central fibrillar. Identifiers: Orphanet 597, MedGen C5830701, MONDO:0007294, OMIM 117000.
Malignant hyperthermia, susceptibility to, 1 (MHS1). Also called: Anesthesia related hyperthermia; Malignant hyperpyrexia; Fulminating hyperpyrexia; Pharmacogenic myopathy; Malignant hyperthermia suceptibility 1; RYR1-Related Malignant Hyperthermia Susceptibility. Identifiers: Orphanet 423, MedGen C2930980, MONDO:0007783, OMIM 145600.

Allele frequency attached by ClinVar (database versions not stated): gnomAD exomes 0.00003; ExAC 0.00004; gnomAD 0.00004; TOPMed 0.00008.
gnomAD v4.1: 71 of 1,613,070 alleles (0.0044%); highest among the groups gnomAD compares: Middle Eastern, 0.016%; no homozygotes.

Submissions (7):

Mayo Clinic Laboratories, Mayo Clinic
Classification: Uncertain significance. Last evaluated: 2025-03-27. Review status: criteria provided, single submitter. Criteria: ACMG Guidelines, 2015. Collection method: clinical testing. Allele origin: germline. Observed: 1 variant allele.
Comment: PP3

Women's Health and Genetics/Laboratory Corporation of America, LabCorp
Classification: Uncertain significance. Last evaluated: 2025-01-03. Review status: criteria provided, single submitter. Criteria: LabCorp Variant Classification Summary - May 2015. Collection method: clinical testing. Allele origin: germline.
Comment: Variant summary: RYR1 c.2653C>T (p.Arg885Cys) results in a non-conservative amino acid change in the encoded protein sequence. Five of five in-silico tools predict a damaging effect of the variant on protein function. The variant allele was found at a frequency of 3.2e-05 in 249714 control chromosomes (gnomAD). The available data on variant occurrences in the general population are insufficient to allow any conclusion about variant significance. c.2653C>T has been reported in the literature in individuals affected with Centronuclear myopathy or Subarachnoid haemorrhage without strong evidence of causality (e.g. Reumers_2021, Coburger_2017, Bouma_2023). These reports do not provide unequivocal conclusions about association of the variant with Myopathy, RYR1-Associated. To our knowledge, no experimental evidence demonstrating an impact on protein function has been reported. The following publications have been ascertained in the context of this evaluation (PMID: 34463354, 28750945, 37364426). ClinVar contains an entry for this variant (Variation ID: 638270). Based on the evidence outlined above, the variant was classified as uncertain significance.

Labcorp Genetics (formerly Invitae), Labcorp
Classification: Uncertain significance for RYR1-related disorder. Last evaluated: 2024-12-12. Review status: criteria provided, single submitter. Criteria: Invitae Variant Classification Sherloc (09022015). Collection method: clinical testing. Allele origin: germline.
Comment: This sequence change replaces arginine, which is basic and polar, with cysteine, which is neutral and slightly polar, at codon 885 of the RYR1 protein (p.Arg885Cys). This variant is present in population databases (rs775256033, gnomAD 0.005%). This missense change has been observed in individual(s) with RYR1-related conditions (PMID: 28750945, 34463354). ClinVar contains an entry for this variant (Variation ID: 638270). Invitae Evidence Modeling of protein sequence and biophysical properties (such as structural, functional, and spatial information, amino acid conservation, physicochemical variation, residue mobility, and thermodynamic stability) indicates that this missense variant is not expected to disrupt RYR1 protein function with a negative predictive value of 80%. In summary, the available evidence is currently insufficient to determine the role of this variant in disease. Therefore, it has been classified as a Variant of Uncertain Significance.

All of Us Research Program, National Institutes of Health
Classification: Uncertain significance for Malignant hyperthermia, susceptibility to, 1. Last evaluated: 2024-08-06. Review status: criteria provided, single submitter. Criteria: ACMG Guidelines, 2015. Collection method: clinical testing. Allele origin: germline. Inheritance: Autosomal dominant inheritance. Observed: 13 variant alleles, 13 heterozygotes.
Comment: This missense variant replaces arginine with cysteine at codon 885 of the RYR1 protein. Computational prediction suggests that this variant may have deleterious impact on protein structure and function. To our knowledge, functional studies have not been reported for this variant. This variant has not been reported in individuals affected with autosomal dominant malignant hyperthermia in the literature, although it has been reported in other phenotype(s) (PMID: 25960145, 28750945). This variant has been identified in 10/281090 chromosomes in the general population by the Genome Aggregation Database (gnomAD). Due to insufficient evidence, this variant is classified as a Variant of Uncertain Significance for autosomal dominant malignant hyperthermia.

This study involves interpretation of variants in research participants for the purpose of population health screening. Participant phenotype was not available at the time of variant classification. Additional details can be found in publication PMID: 35346344, PMCID: PMC8962531

Color Diagnostics, LLC DBA Color Health
Classification: Uncertain significance for Malignant hyperthermia, susceptibility to, 1. Last evaluated: 2024-02-07. Review status: criteria provided, single submitter. Criteria: ACMG Guidelines, 2015. Collection method: clinical testing. Allele origin: germline.
Comment: This missense variant replaces arginine with cysteine at codon 885 of the RYR1 protein. Computational prediction suggests that this variant may have deleterious impact on protein structure and function. To our knowledge, functional studies have not been reported for this variant. This variant has not been reported in individuals affected with autosomal dominant malignant hyperthermia in the literature, although it has been reported in other phenotype(s) (PMID: 25960145, 28750945). This variant has been identified in 10/281090 chromosomes in the general population by the Genome Aggregation Database (gnomAD). Due to insufficient evidence, this variant is classified as a Variant of Uncertain Significance for autosomal dominant malignant hyperthermia.

Institute of Human Genetics, University of Goettingen
Classification: Uncertain significance for Central core myopathy. Last evaluated: 2019-05-23. Review status: criteria provided, single submitter. Criteria: ACMG Guidelines, 2015. Collection method: clinical testing. Allele origin: unknown. Inheritance: Autosomal dominant inheritance. Affected: yes. Observed: 1 heterozygote.
Comment: For the following reasons we consider the variant as a variant of uncertain significance: 1. a comparison with the ExAC and gnomAD browsers did not provide any evidence that this sequence change is a norm variant that can also be detected in non-infected persons; the mutation occurs with a frequency of 0.0042% (ExAC) and 0.0036% (gnomAD); 2. the mutation lies in the protein domain of the Ryanodine receptor and concerns a highly conserved amino acid; 3. the mutation type is known to be pathogenic in the disease of question (Central core disease); 4. the variant is uniformly classified as probably damaging/disease causing by four independent prediction programs (M-CAP; MutationTaster; PolyPhen-2; SIFT); 5. at the amino acid position mentioned above, a pathogenic mutation is identified. (c.2654G>A, p. Arg885His, HGMD: CM157064; Snoeck (2015) Eur J Neurol 22: 1094)

Revvity Omics, Revvity
Classification: Uncertain significance. Last evaluated: 2019-05-15. Review status: criteria provided, single submitter. Criteria: ACMG Guidelines, 2015. Collection method: clinical testing. Allele origin: germline.

Literature cited by the submitters: PubMed 28750945 (cited by 5 submitters); PubMed 34463354 (cited by 3 submitters); PubMed 37364426 (cited by Women's Health and Genetics/Laboratory Corporation of America, LabCorp); PubMed 25960145 (cited by All of Us Research Program, National Institutes of Health and Color Diagnostics, LLC DBA Color Health).